The following is an entry in ClinVar:

ClinVar aggregate classification (germline): Pathogenic/Likely pathogenic. Review status: criteria provided, multiple submitters, no conflicts (2 of 4 stars). 6 submissions from 6 submitters: Pathogenic (5); Likely pathogenic (1). Last evaluated 2025-09-08.

Conditions:
Familial cancer of breast. Also called: Hereditary breast cancer; BREAST CANCER, FAMILIAL; hereditary breast carcinoma. Identifiers: Orphanet 227535, MedGen C0346153, MONDO:0016419, OMIM 114480. Disease mechanism: loss of function.
Ataxia-telangiectasia syndrome (AT). Also called: LOUIS-BAR SYNDROME; ATAXIA-TELANGIECTASIA, COMPLEMENTATION GROUP A; ATAXIA-TELANGIECTASIA, FRESNO VARIANT; Ataxia-telangiectasia; Cerebello-oculocutaneous telangiectasia; Immunodeficiency with ataxia telangiectasia. Identifiers: Orphanet 100, MedGen C0004135, MONDO:0008840, OMIM 208900.
Hereditary cancer-predisposing syndrome. Also called: Tumor predisposition; Neoplastic Syndromes, Hereditary; Hereditary neoplastic syndrome; Hereditary Cancer Syndrome. Identifiers: Orphanet 140162, MedGen C0027672, MeSH D009386, MONDO:0015356.

Submissions (6):

Mayo Clinic Laboratories, Mayo Clinic
Classification: Pathogenic. Last evaluated: 2025-09-08. Review status: criteria provided, single submitter. Criteria: ACMG Guidelines, 2015. Collection method: clinical testing. Allele origin: germline. Observed: 1 variant allele.
Comment: PM2_supporting, PM5_supporting, PVS1

Labcorp Genetics (formerly Invitae), Labcorp
Classification: Pathogenic for Ataxia-telangiectasia syndrome. Last evaluated: 2025-04-10. Review status: criteria provided, single submitter. Criteria: Invitae Variant Classification Sherloc (09022015). Collection method: clinical testing. Allele origin: germline.
Comment: This sequence change creates a premature translational stop signal (p.Asp1285Thrfs*8) in the ATM gene. It is expected to result in an absent or disrupted protein product. Loss-of-function variants in ATM are known to be pathogenic (PMID: 23807571, 25614872). This variant is not present in population databases (gnomAD no frequency). This variant has not been reported in the literature in individuals affected with ATM-related conditions. ClinVar contains an entry for this variant (Variation ID: 265533). For these reasons, this variant has been classified as Pathogenic.

Ambry Genetics
Classification: Pathogenic for Hereditary cancer-predisposing syndrome. Last evaluated: 2024-11-11. Review status: criteria provided, single submitter. Criteria: Ambry Variant Classification Scheme 2023. Collection method: clinical testing. Allele origin: germline.
Comment: The c.3852delA pathogenic mutation, located in coding exon 25 of the ATM gene, results from a deletion of one nucleotide at nucleotide position 3852, causing a translational frameshift with a predicted alternate stop codon (p.D1285Tfs*8). This variant was identified in 1/3907 breast cancer patients (Yadav S et al. J Clin Oncol, 2020 05;38:1409-1418) and in 1/5589 German BRCA1/2-negative probands with breast cancer (Hauke J et al. Cancer Med, 2018 04;7:1349-1358). This variant is considered to be rare based on population cohorts in the Genome Aggregation Database (gnomAD). In addition to the clinical data presented in the literature, this alteration is expected to result in loss of function by premature protein truncation or nonsense-mediated mRNA decay. As such, this alteration is interpreted as a disease-causing mutation.

Myriad Genetics, Inc.
Classification: Pathogenic for Familial cancer of breast. Last evaluated: 2024-01-23. Review status: criteria provided, single submitter. Criteria: Myriad Autosomal Dominant, Autosomal Recessive and X-Linked Classification Criteria (2023). Collection method: clinical testing. Allele origin: unknown.
Comment: This variant is considered pathogenic. This variant creates a frameshift predicted to result in premature protein truncation.

GeneDx
Classification: Pathogenic. Last evaluated: 2022-09-23. Review status: criteria provided, single submitter. Criteria: GeneDx Variant Classification Process June 2021. Collection method: clinical testing. Allele origin: germline. Affected: yes.
Comment: Frameshift variant predicted to result in protein truncation or nonsense mediated decay in a gene for which loss of function is a known mechanism of disease; Not observed at significant frequency in large population cohorts (gnomAD); Truncating variants in this gene are considered pathogenic by a well-established clinical consortium and/or database; Has not been previously published as pathogenic or benign to our knowledge; This variant is associated with the following publications: (PMID: 23807571, 25614872)

MGZ Medical Genetics Center
Classification: Likely pathogenic for Familial cancer of breast. Last evaluated: 2022-03-10. Review status: criteria provided, single submitter. Criteria: ACMG Guidelines, 2015. Collection method: clinical testing. Allele origin: germline. Affected: yes. Observed: 1 variant allele.
Comment: ACMG criteria applied: PVS1, PM2_SUP

Literature cited by the submitters: PubMed 29522266 (cited by Mayo Clinic Laboratories, Mayo Clinic and Ambry Genetics); PubMed 32125938 (cited by Mayo Clinic Laboratories, Mayo Clinic and Ambry Genetics); PubMed 23807571 (cited by Labcorp Genetics (formerly Invitae), Labcorp); PubMed 25614872 (cited by Labcorp Genetics (formerly Invitae), Labcorp).

NM_000051.4(ATM):c.3852del (p.Asp1285fs)

Gene: ATM (ATM serine/threonine kinase; plus strand). Cytogenetic location: 11q22.3.
Variant type: Deletion.
Coding change: c.3852del on transcript NM_000051.4 (MANE Select); coding-DNA position 3852, one base deleted (A; older notation c.3852delA).
Protein change: p.Asp1285fs; shifts the reading frame from aspartic acid 1285.
Molecular consequence: frameshift variant.
Genome position (GRCh38, 1-based): chr11:108,284,332, A deleted. VCF-style (leftmost placement, unchanged base first): chr11-108284331-CA-C. GRCh37 (hg19) VCF-style: chr11-108155058-CA-C.
Other names: p.Asp1285Thrfs*8; c.3852del, p.Asp1285fs (NM_001351834.2); c.3852delA (NM_000051.3); short protein forms D1285fs.
Identifiers: ClinVar variation 265533 (VCV000265533.15), dbSNP rs886039605, ClinGen allele CA10588498.